The following is an entry in ClinVar:

ClinVar aggregate classification (germline): Uncertain significance (1 of 4 stars; one submission).

Conditions:
Short-rib thoracic dysplasia 6 with or without polydactyly (SRTD6). Also called: Majewski Syndrome; SHORT RIB-POLYDACTYLY SYNDROME, TYPE IIA; SHORT-RIB THORACIC DYSPLASIA 6 WITH POLYDACTYLY; SHORT-RIB THORACIC DYSPLASIA 6 WITHOUT POLYDACTYLY; POLYDACTYLY WITH NEONATAL CHONDRODYSTROPHY, TYPE II. Identifiers: MedGen C0024507, MONDO:0009894, OMIM 263520.

gnomAD v4.1: 20 of 1,610,136 alleles (0.0012%); highest among the groups gnomAD compares: Non-Finnish European, 0.0016%; no homozygotes.

Submission:

Labcorp Genetics (formerly Invitae), Labcorp
Classification: Uncertain significance for Short-rib thoracic dysplasia 6 with or without polydactyly. Last evaluated: 2025-09-10. Review status: criteria provided, single submitter. Criteria: Invitae Variant Classification Sherloc (09022015). Collection method: clinical testing. Allele origin: germline.
Comment: This sequence change replaces methionine, which is neutral and non-polar, with threonine, which is neutral and polar, at codon 555 of the NEK1 protein (p.Met555Thr). This variant is present in population databases (no rsID available, gnomAD 0.0009%). This variant has not been reported in the literature in individuals affected with NEK1-related conditions. An algorithm developed to predict the effect of missense changes on protein structure and function outputs the following: PolyPhen-2: "Benign". The threonine amino acid residue is found in multiple mammalian species, which suggests that this missense change does not adversely affect protein function. In summary, the available evidence is currently insufficient to determine the role of this variant in disease. Therefore, it has been classified as a Variant of Uncertain Significance.

NM_001199397.3(NEK1):c.1664T>C (p.Met555Thr)

Gene: NEK1 (NIMA related kinase 1; minus strand). Cytogenetic location: 4q33.
Variant type: single nucleotide variant.
Coding change: c.1664T>C on transcript NM_001199397.3 (MANE Select); coding-DNA position 1664, T replaced by C.
Protein change: p.Met555Thr; replaces methionine 555 with threonine.
Molecular consequence: missense variant. On other transcripts: non-coding transcript variant (1).
Genome position (GRCh38, 1-based): chr4:169,537,810, A>G on the plus strand (T>C on the coding strand, the complement: NEK1 is on the minus strand). VCF-style: chr4-169537810-A-G. GRCh37 (hg19) VCF-style: chr4-170458961-A-G.
Other names: c.1532T>C, p.Met511Thr (NM_001199398.3, NM_001199400.3, NM_001440622.1 and 1 more transcripts); c.1457T>C, p.Met486Thr (NM_001199399.3); c.1664T>C, p.Met555Thr (NM_001374418.1, NM_001374419.1, NM_001440620.1 and 2 more transcripts); c.1613T>C, p.Met538Thr (NM_001374420.1); c.1538T>C, p.Met513Thr (NM_001374421.1); c.1043T>C, p.Met348Thr (NM_001440624.1); c.911T>C, p.Met304Thr (NM_001440625.1); short protein forms M348T, M304T, M486T, M513T, M555T, M511T, M538T.
Identifiers: ClinVar variation 4740059 (VCV004740059.1).